The following is an entry in ClinVar:

NM_000490.5(AVP):c.319G>A (p.Asp107Asn)

Gene: AVP (arginine vasopressin; minus strand). Cytogenetic location: 20p13.
Variant type: single nucleotide variant.
Coding change: c.319G>A on transcript NM_000490.5 (MANE Select); coding-DNA position 319, G replaced by A.
Protein change: p.Asp107Asn; replaces aspartic acid 107 with asparagine.
Molecular consequence: missense variant.
Genome position (GRCh38, 1-based): chr20:3,082,980, C>T on the plus strand (G>A on the coding strand, the complement: AVP is on the minus strand). VCF-style: chr20-3082980-C-T. GRCh37 (hg19) VCF-style: chr20-3063626-C-T.
Other names: short protein forms D107N.
Identifiers: ClinVar variation 725170 (VCV000725170.12), dbSNP rs535682482, ClinGen allele CA9739440.

ClinVar aggregate classification (germline): Benign. Review status: criteria provided, multiple submitters, no conflicts (2 of 4 stars). 3 submissions from 3 submitters: Benign (2). 1 of the submissions does not count toward it. Last evaluated 2026-01-25.

Conditions:
AVP-related disorder. Also called: AVP-related condition.

Allele frequency attached by ClinVar (database versions not stated): gnomAD exomes 0.00052; 1000 Genomes Project 30x 0.00250; gnomAD 0.00257 and 0.00280; 1000 Genomes Project 0.00260; ExAC 0.00277; TOPMed 0.00285.
gnomAD v4.1: 839 of 1,492,700 alleles (0.056%); highest among the groups gnomAD compares: African/African-American, 0.92%; 2 homozygotes.

Submissions (3):

Labcorp Genetics (formerly Invitae), Labcorp
Classification: Benign. Last evaluated: 2026-01-25. Review status: criteria provided, single submitter. Criteria: Invitae Variant Classification Sherloc (09022015). Collection method: clinical testing. Allele origin: germline.

Breakthrough Genomics
Classification: Benign. Review status: criteria provided, single submitter. Criteria: ACMG Guidelines, 2015. Collection method: not provided. Allele origin: germline. Inheritance: Autosomal dominant inheritance. Affected: yes.

PreventionGenetics, part of Exact Sciences
Classification: Benign for AVP-related condition. Last evaluated: 2021-03-21. Review status: no assertion criteria provided. Collection method: clinical testing. Allele origin: germline. Not counted in ClinVar's aggregate classification.
Comment: This variant is classified as benign based on ACMG/AMP sequence variant interpretation guidelines (Richards et al. 2015 PMID: 25741868, with internal and published modifications).